The following is an entry in ClinVar:

NM_000350.3(ABCA4):c.2537A>T (p.Asp846Val)

Gene: ABCA4 (ATP binding cassette subfamily A member 4; minus strand). Cytogenetic location: 1p22.1.
Variant type: single nucleotide variant.
Coding change: c.2537A>T on transcript NM_000350.3 (MANE Select); coding-DNA position 2537, A replaced by T.
Protein change: p.Asp846Val; replaces aspartic acid 846 with valine.
Molecular consequence: missense variant.
Genome position (GRCh38, 1-based): chr1:94,055,161, T>A on the plus strand (A>T on the coding strand, the complement: ABCA4 is on the minus strand). VCF-style: chr1-94055161-T-A. GRCh37 (hg19) VCF-style: chr1-94520717-T-A.
Other names: c.2315A>T, p.Asp772Val (NM_001425324.1); short protein forms D846V, D772V.
Identifiers: ClinVar variation 389679 (VCV000389679.12), dbSNP rs779466403, ClinGen allele CA16603706.

ClinVar aggregate classification (germline): Pathogenic/Likely pathogenic. Review status: criteria provided, multiple submitters, no conflicts (2 of 4 stars). 4 submissions from 4 submitters: Pathogenic (1); Likely pathogenic (2). 1 of the submissions does not count toward it. Last evaluated 2025-12-03.

Conditions:
Retinitis pigmentosa (RP). Identifiers: Orphanet 791, MedGen C0035334, MeSH D012174, MONDO:0019200, OMIM 268000. Inheritance: Autosomal dominant, autosomal recessive and X linked inheritance.
ABCA4-related disorder. Also called: ABCA4-related disorders; ABCA4-related condition. Identifiers: MedGen CN239167.

Allele frequency attached by ClinVar (database versions not stated): TOPMed below 0.00001.

Submissions (4):

Labcorp Genetics (formerly Invitae), Labcorp
Classification: Pathogenic. Last evaluated: 2025-12-03. Review status: criteria provided, single submitter. Criteria: Invitae Variant Classification Sherloc (09022015). Collection method: clinical testing. Allele origin: germline.
Comment: This sequence change replaces aspartic acid, which is acidic and polar, with valine, which is neutral and non-polar, at codon 846 of the ABCA4 protein (p.Asp846Val). This variant is not present in population databases (gnomAD no frequency). This missense change has been observed in individual(s) with Stargardt disease (PMID: 27939946, 30718709, 33851411). ClinVar contains an entry for this variant (Variation ID: 389679). Invitae Evidence Modeling of protein sequence and biophysical properties (such as structural, functional, and spatial information, amino acid conservation, physicochemical variation, residue mobility, and thermodynamic stability) indicates that this missense variant is expected to disrupt ABCA4 protein function with a positive predictive value of 95%. For these reasons, this variant has been classified as Pathogenic.

Blueprint Genetics
Classification: Likely pathogenic for ABCA4-related disorders. Last evaluated: 2021-09-14. Review status: criteria provided, single submitter. Criteria: ACMG Guidelines, 2015. Collection method: clinical testing. Allele origin: germline. Affected: yes. Observed: 4 variant alleles.

GeneDx
Classification: Likely pathogenic. Last evaluated: 2017-03-21. Review status: criteria provided, single submitter. Criteria: GeneDx Variant Classification (06012015). Collection method: clinical testing. Allele origin: germline. Affected: yes.
Comment: The D846V variant in the ABCA4 gene has not been published as a pathogenic variant, nor has it been reported as a benign variant to our knowledge. The D846V variant is not observed in large population cohorts (Lek et al., 2016; 1000 Genomes Consortium et al., 2015; Exome Variant Server). D846V is a non-conservative amino acid substitution, which is likely to impact secondary protein structure as these residues differ in polarity, charge, size and/or other properties. This substitution occurs at a position that is conserved across species, and in silico analysis predicts this variant is probably damaging to the protein structure/function. Based on the currently available information, this variant is likely pathogenic.

Department of Clinical Genetics, Copenhagen University Hospital, Rigshospitalet
Classification: Likely pathogenic for Retinitis pigmentosa. Last evaluated: 2018-04-01. Review status: no assertion criteria provided. Collection method: research. Allele origin: unknown. Affected: yes. Study: VeluxRD. Not counted in ClinVar's aggregate classification.

Literature cited by the submitters: PubMed 27939946 (cited by Labcorp Genetics (formerly Invitae), Labcorp); PubMed 30718709 (cited by Labcorp Genetics (formerly Invitae), Labcorp and Department of Clinical Genetics, Copenhagen University Hospital, Rigshospitalet); PubMed 33851411 (cited by Labcorp Genetics (formerly Invitae), Labcorp).